The following is an entry in ClinVar:

NM_005765.3(ATP6AP2):c.238G>C (p.Val80Leu)

Gene: ATP6AP2 (ATPase H+ transporting accessory protein 2; plus strand). Cytogenetic location: Xp11.4.
Variant type: single nucleotide variant.
Coding change: c.238G>C on transcript NM_005765.3 (MANE Select); coding-DNA position 238, G replaced by C.
Protein change: p.Val80Leu; replaces valine 80 with leucine.
Molecular consequence: missense variant.
Genome position (GRCh38, 1-based): chrX:40,591,303, G>C. VCF-style: chrX-40591303-G-C. GRCh37 (hg19) VCF-style: chrX-40450555-G-C.
Other names: short protein forms V80L.
Identifiers: ClinVar variation 3766342 (VCV003766342.1).
Genomic context (GRCh38, chrX:40,591,303, plus strand): 5'-TGGCCAGGACTCGCAGTGGGTAACCTGTTTCATCGTCCTCGGGCTACCGTCATGGTGATG[G>C]TGAAGGGAGTGAACAAACTGGCTCTACCCCCAGGCAGTGTCATTTCGTACCCTTTGGAGA-3'
Protein context (NP_005756.2, residues 70-90): HRPRATVMVM[Val80Leu]KGVNKLALPP

ClinVar aggregate classification (germline): Uncertain significance (1 of 4 stars; one submission).

Submission:

GeneDx
Classification: Uncertain significance. Last evaluated: 2024-08-29. Review status: criteria provided, single submitter. Criteria: GeneDx Variant Classification Process June 2021. Collection method: clinical testing. Allele origin: germline. Affected: yes.
Comment: Not observed at significant frequency in large population cohorts (gnomAD); In silico analysis indicates that this missense variant does not alter protein structure/function; Has not been previously published as pathogenic or benign to our knowledge